The following is an entry in ClinVar:

NM_022081.5(HPS4):c.-661G>T

Genes: HPS4 (HPS4 biogenesis of lysosomal organelles complex 3 subunit 2; minus strand), LOC130067147 (ATAC-STARR-seq lymphoblastoid active region 18791; plus strand). Cytogenetic location: 22q12.1.
Variant type: single nucleotide variant.
Coding change: c.-661G>T on transcript NM_022081.5; 661 bases upstream of the start codon, G replaced by T.
Molecular consequence: 5 prime UTR variant (on NM_001349896.1). On other transcripts: non-coding transcript variant (3).
Genome position (GRCh38, 1-based): chr22:26,483,856, C>A on the plus strand (G>T on the coding strand, the complement: HPS4 is on the minus strand). VCF-style: chr22-26483856-C-A. GRCh37 (hg19) VCF-style: chr22-26879822-C-A.
Other names: c.-570G>T (NM_001349896.1, NM_001349901.1, NM_001349902.1 and 1 more transcripts).
Identifiers: ClinVar variation 341039 (VCV000341039.8), dbSNP rs753668169, ClinGen allele CA10163879.

ClinVar aggregate classification (germline): Likely benign. Review status: criteria provided, multiple submitters, no conflicts (2 of 4 stars). 2 submissions from 2 submitters: Likely benign (2). Last evaluated 2018-01-13.

Conditions:
Hermansky-Pudlak syndrome 4 (HPS4). Identifiers: Orphanet 231500, Orphanet 79430, MedGen C3484357, MONDO:0013556, OMIM 614073.

Allele frequency attached by ClinVar (database versions not stated): 1000 Genomes Project 30x 0.00031; gnomAD exomes 0.00253; ExAC 0.01290; gnomAD 0.00045 and 0.00092; TOPMed 0.00090.
gnomAD v4.1: 1,014 of 1,323,648 alleles (0.077%); highest among the groups gnomAD compares: East Asian, 0.047%; 1 homozygote.

Submissions (2):

Illumina Laboratory Services, Illumina
Classification: Likely benign for Hermansky-Pudlak syndrome 4. Last evaluated: 2018-01-13. Review status: criteria provided, single submitter. Criteria: ICSL Variant Classification Criteria 13 December 2019. Collection method: clinical testing. Allele origin: germline.
Comment: This variant was observed in the ICSL laboratory as part of a predisposition screen in an ostensibly healthy population. It had not been previously curated by ICSL or reported in the Human Gene Mutation Database (HGMD: prior to June 1st, 2018), and was therefore a candidate for classification through an automated scoring system. Utilizing variant allele frequency, disease prevalence and penetrance estimates, and inheritance mode, an automated score was calculated to assess if this variant is too frequent to cause the disease. Based on the score and internal cut-off values, a variant classified as likely benign is not then subjected to further curation. The score for this variant resulted in a classification of likely benign for this disease.

Breakthrough Genomics
Classification: Likely benign. Review status: criteria provided, single submitter. Criteria: ACMG Guidelines, 2015. Collection method: not provided. Allele origin: germline. Inheritance: Autosomal recessive inheritance. Affected: yes.